The following is an entry in ClinVar:

NM_004750.5(CRLF1):c.781C>T (p.Pro261Ser)

Genes: CRLF1 (cytokine receptor like factor 1; minus strand), LOC112543470 (Sharpr-MPRA regulatory region 11645; plus strand). Cytogenetic location: 19p13.11.
Variant type: single nucleotide variant.
Coding change: c.781C>T on transcript NM_004750.5 (MANE Select); coding-DNA position 781, C replaced by T.
Protein change: p.Pro261Ser; replaces proline 261 with serine.
Molecular consequence: missense variant.
Genome position (GRCh38, 1-based): chr19:18,596,966, G>A on the plus strand (C>T on the coding strand, the complement: CRLF1 is on the minus strand). VCF-style: chr19-18596966-G-A. GRCh37 (hg19) VCF-style: chr19-18707776-G-A.
Other names: short protein forms P261S.
Identifiers: ClinVar variation 2051470 (VCV002051470.4), dbSNP rs766431820, ClinGen allele CA9314106.
Genomic context (GRCh38, chr19:18,596,966, plus strand): 5'-TGTCCTCCACTCGGTAGCGGATCTGGTATTTGGCTTGAAAGAGGAAATCCTTGAGGGCGG[G>A]TGGCGACACCCAGCGCACGCTCAGCTGGTCCTCCAGGCCCCCGACGCGGCTCACGTGCAC-3'
Protein context (NP_004741.1, residues 251-271): DQLSVRWVSP[Pro261Ser]ALKDFLFQAK

ClinVar aggregate classification (germline): Uncertain significance (1 of 4 stars; one submission).

Allele frequency attached by ClinVar (database versions not stated): gnomAD exomes 0.00001; ExAC 0.00002; TOPMed 0.00004; gnomAD 0.00005.

Submission:

Labcorp Genetics (formerly Invitae), Labcorp
Classification: Uncertain significance. Last evaluated: 2025-02-24. Review status: criteria provided, single submitter. Criteria: Invitae Variant Classification Sherloc (09022015). Collection method: clinical testing. Allele origin: germline.
Comment: This sequence change replaces proline, which is neutral and non-polar, with serine, which is neutral and polar, at codon 261 of the CRLF1 protein (p.Pro261Ser). This variant is present in population databases (rs766431820, gnomAD 0.01%). This variant has not been reported in the literature in individuals affected with CRLF1-related conditions. ClinVar contains an entry for this variant (Variation ID: 2051470). Invitae Evidence Modeling of protein sequence and biophysical properties (such as structural, functional, and spatial information, amino acid conservation, physicochemical variation, residue mobility, and thermodynamic stability) indicates that this missense variant is not expected to disrupt CRLF1 protein function with a negative predictive value of 80%. In summary, the available evidence is currently insufficient to determine the role of this variant in disease. Therefore, it has been classified as a Variant of Uncertain Significance.